The following is an entry in ClinVar:

NM_003000.3(SDHB):c.819T>C (p.Tyr273=)

Gene: SDHB (succinate dehydrogenase complex iron sulfur subunit B; minus strand). Cytogenetic location: 1p36.13.
Variant type: single nucleotide variant.
Coding change: c.819T>C on transcript NM_003000.3 (MANE Select); coding-DNA position 819, T replaced by C.
Protein change: p.Tyr273=; no amino-acid change (tyrosine 273 retained).
Molecular consequence: synonymous variant.
Genome position (GRCh38, 1-based): chr1:17,018,905, A>G on the plus strand (T>C on the coding strand, the complement: SDHB is on the minus strand). VCF-style: chr1-17018905-A-G. GRCh37 (hg19) VCF-style: chr1-17345400-A-G.
Other names: c.765T>C, p.Tyr255= (NM_001407361.1).
Identifiers: ClinVar variation 1975969 (VCV001975969.8), dbSNP rs1553176966, ClinGen allele CA416080361.

ClinVar aggregate classification (germline): Benign/Likely benign. Review status: criteria provided, multiple submitters, no conflicts (2 of 4 stars). 3 submissions from 3 submitters: Benign (1); Likely benign (2). Last evaluated 2025-03-13.

Conditions:
Hereditary cancer-predisposing syndrome. Also called: Tumor predisposition; Hereditary Cancer Syndrome; Hereditary neoplastic syndrome; Neoplastic Syndromes, Hereditary. Identifiers: Orphanet 140162, MedGen C0027672, MeSH D009386, MONDO:0015356.
Pheochromocytoma/paraganglioma syndrome 4. Also called: CAROTID BODY TUMORS AND MULTIPLE EXTRAADRENAL PHEOCHROMOCYTOMAS; PARAGANGLIOMA, FAMILIAL MALIGNANT; PARAGANGLIOMAS, HEREDITARY EXTRAADRENAL; PHEOCHROMOCYTOMA, FAMILIAL EXTRAADRENAL; Paragangliomas 4; SDHB-Related Hereditary Paraganglioma-Pheochromocytoma Syndrome (Paragangliomas 4). Identifiers: Orphanet 29072, MedGen C1861848, MONDO:0007273, OMIM 115310.
Pheochromocytoma. Also called: MAX-Related Hereditary Paraganglioma-Pheochromocytoma Syndrome. Identifiers: Orphanet 29072, MedGen C0031511, MONDO:0008233, OMIM 171300, HP:0002666.
Gastrointestinal stromal tumor. Also called: Gastrointestinal stroma tumor; Gastrointestinal stromal tumor, somatic. Identifiers: Orphanet 44890, MedGen C0238198, MeSH D046152, MONDO:0011719, OMIM 606764, HP:0100723.

Submissions (3):

Myriad Genetics, Inc.
Classification: Benign for Pheochromocytoma/paraganglioma syndrome 4. Last evaluated: 2025-03-13. Review status: criteria provided, single submitter. Criteria: Myriad Autosomal Dominant, Autosomal Recessive and X-Linked Classification Criteria (2023). Collection method: clinical testing. Allele origin: unknown.
Comment: This variant is considered benign. This variant is a silent/synonymous amino acid change and it is not expected to impact splicing.

Labcorp Genetics (formerly Invitae), Labcorp
Classification: Likely benign for Gastrointestinal stromal tumor; Pheochromocytoma/paraganglioma syndrome 4; Pheochromocytoma. Last evaluated: 2024-08-05. Review status: criteria provided, single submitter. Criteria: Invitae Variant Classification Sherloc (09022015). Collection method: clinical testing. Allele origin: germline.

Ambry Genetics
Classification: Likely benign for Hereditary cancer-predisposing syndrome. Last evaluated: 2023-03-22. Review status: criteria provided, single submitter. Criteria: Ambry Variant Classification Scheme 2023. Collection method: clinical testing. Allele origin: germline.